The following is an entry in ClinVar:

NM_017514.5(PLXNA3):c.1326C>T (p.Val442=)

Gene: PLXNA3 (plexin A3; plus strand). Cytogenetic location: Xq28.
Variant type: single nucleotide variant.
Coding change: c.1326C>T on transcript NM_017514.5 (MANE Select); coding-DNA position 1326, C replaced by T.
Protein change: p.Val442=; no amino-acid change (valine 442 retained).
Molecular consequence: synonymous variant.
Genome position (GRCh38, 1-based): chrX:154,463,399, C>T. VCF-style: chrX-154463399-C-T. GRCh37 (hg19) VCF-style: chrX-153691742-C-T.
Identifiers: ClinVar variation 3358838 (VCV003358838.1).

ClinVar aggregate classification (germline): Likely benign (0 of 4 stars; one submission).

Conditions:
PLXNA3-related disorder. Also called: PLXNA3-related condition.

gnomAD v4.1: 19 of 1,208,091 alleles (0.0016%); highest among the groups gnomAD compares: Admixed American, 0.0022%; no homozygotes.

Submission:

PreventionGenetics, part of Exact Sciences
Classification: Likely benign for PLXNA3-related condition. Last evaluated: 2023-01-27. Review status: no assertion criteria provided. Collection method: clinical testing. Allele origin: germline.
Comment: This variant is classified as likely benign based on ACMG/AMP sequence variant interpretation guidelines (Richards et al. 2015 PMID: 25741868, with internal and published modifications).